The following is an entry in ClinVar:

NM_004068.4(AP2M1):c.506G>A (p.Arg169His)

Gene: AP2M1 (adaptor related protein complex 2 subunit mu 1; plus strand). Cytogenetic location: 3q27.1.
Variant type: single nucleotide variant.
Coding change: c.506G>A on transcript NM_004068.4 (MANE Select); coding-DNA position 506, G replaced by A.
Protein change: p.Arg169His; replaces arginine 169 with histidine.
Molecular consequence: missense variant.
Genome position (GRCh38, 1-based): chr3:184,180,925, G>A. VCF-style: chr3-184180925-G-A. GRCh37 (hg19) VCF-style: chr3-183898713-G-A.
Other names: c.500G>A, p.Arg167His (NM_001025205.2); c.581G>A, p.Arg194His (NM_001311198.2); short protein forms R169H, R167H, R194H.
Identifiers: ClinVar variation 3403828 (VCV003403828.2).

ClinVar aggregate classification (germline): Uncertain significance. Review status: criteria provided, multiple submitters, no conflicts (2 of 4 stars). 2 submissions from 2 submitters: Uncertain significance (2). Last evaluated 2025-09-23.

Conditions:
Inborn genetic diseases. Identifiers: MedGen C0950123, MeSH D030342.

Submissions (2):

Labcorp Genetics (formerly Invitae), Labcorp
Classification: Uncertain significance. Last evaluated: 2025-09-23. Review status: criteria provided, single submitter. Criteria: Invitae Variant Classification Sherloc (09022015). Collection method: clinical testing. Allele origin: germline.
Comment: This sequence change replaces arginine, which is basic and polar, with histidine, which is basic and polar, at codon 169 of the AP2M1 protein (p.Arg169His). This variant is not present in population databases (gnomAD no frequency). This variant has not been reported in the literature in individuals affected with AP2M1-related conditions. ClinVar contains an entry for this variant (Variation ID: 3403828). An algorithm developed to predict the effect of missense changes on protein structure and function (PolyPhen-2) suggests that this variant is likely to be disruptive. In summary, the available evidence is currently insufficient to determine the role of this variant in disease. Therefore, it has been classified as a Variant of Uncertain Significance.

Ambry Genetics
Classification: Uncertain significance for Inborn genetic diseases. Last evaluated: 2024-07-02. Review status: criteria provided, single submitter. Criteria: Ambry Variant Classification Scheme 2023. Collection method: clinical testing. Allele origin: germline.